The following is an entry in ClinVar:

ClinVar aggregate classification (germline): Uncertain significance (1 of 4 stars; one submission).

Conditions:
Hereditary cancer-predisposing syndrome. Also called: Neoplastic Syndromes, Hereditary; Tumor predisposition; Hereditary Cancer Syndrome; Hereditary neoplastic syndrome. Identifiers: Orphanet 140162, MedGen C0027672, MeSH D009386, MONDO:0015356.

Submission:

Ambry Genetics
Classification: Uncertain significance for Hereditary cancer-predisposing syndrome. Last evaluated: 2022-08-17. Review status: criteria provided, single submitter. Criteria: Ambry Variant Classification Scheme 2023. Collection method: clinical testing. Allele origin: germline.
Comment: The p.F227L variant (also known as c.681T>A), located in coding exon 5 of the CDK4 gene, results from a T to A substitution at nucleotide position 681. The phenylalanine at codon 227 is replaced by leucine, an amino acid with highly similar properties. This amino acid position is highly conserved in available vertebrate species. In addition, this alteration is predicted to be tolerated by in silico analysis. Since supporting evidence is limited at this time, the clinical significance of this alteration remains unclear.

NM_000075.4(CDK4):c.681T>A (p.Phe227Leu)

Genes: TSPAN31 (tetraspanin 31; plus strand), CDK4 (cyclin dependent kinase 4; minus strand). Cytogenetic location: 12q14.1.
Variant type: single nucleotide variant.
Coding change: c.681T>A on transcript NM_000075.4 (MANE Select); coding-DNA position 681, T replaced by A.
Protein change: p.Phe227Leu; replaces phenylalanine 227 with leucine.
Molecular consequence: missense variant. On other transcripts: 3 prime UTR variant (3).
Genome position (GRCh38, 1-based): chr12:57,749,456, A>T on the plus strand (T>A on the coding strand, the complement: CDK4 is on the minus strand). VCF-style: chr12-57749456-A-T. GRCh37 (hg19) VCF-style: chr12-58143239-A-T.
Other names: c.*2166A>T (NM_001330168.2, NM_001330169.2, NM_005981.5); short protein forms F227L.
Identifiers: ClinVar variation 1755629 (VCV001755629.2), dbSNP rs1193246679, ClinGen allele CA385543883.